The following is an entry in ClinVar:

NM_181426.2(CCDC39):c.1742A>G (p.Glu581Gly)

Gene: CCDC39 (coiled-coil domain 39 molecular ruler complex subunit; minus strand). Cytogenetic location: 3q26.33.
Variant type: single nucleotide variant.
Coding change: c.1742A>G on transcript NM_181426.2 (MANE Select); coding-DNA position 1742, A replaced by G.
Protein change: p.Glu581Gly; replaces glutamic acid 581 with glycine.
Molecular consequence: missense variant.
Genome position (GRCh38, 1-based): chr3:180,642,125, T>C on the plus strand (A>G on the coding strand, the complement: CCDC39 is on the minus strand). VCF-style: chr3-180642125-T-C. GRCh37 (hg19) VCF-style: chr3-180359913-T-C.
Other names: short protein forms E581G.
Identifiers: ClinVar variation 262963 (VCV000262963.3), dbSNP rs768857374, ClinGen allele CA2715880.

ClinVar aggregate classification (germline): Conflicting classifications of pathogenicity. Review status: criteria provided, conflicting classifications (1 of 4 stars). 2 submissions from 2 submitters: Uncertain significance (1); Likely benign (1). Last evaluated 2025-03-27.

Allele frequency attached by ClinVar (database versions not stated): TOPMed below 0.00001; gnomAD 0.00001; gnomAD exomes 0.00001 and 0.00003; ExAC 0.00003.
gnomAD v4.1: 21 of 1,612,676 alleles (0.0013%); highest among the groups gnomAD compares: Non-Finnish European, 0.0017%; no homozygotes.

Submissions (2):

GeneDx
Classification: Uncertain significance. Last evaluated: 2025-03-27. Review status: criteria provided, single submitter. Criteria: GeneDx Variant Classification Process June 2021. Collection method: clinical testing. Allele origin: germline. Affected: yes.
Comment: In silico analysis supports that this missense variant has a deleterious effect on protein structure/function; Has not been previously published as pathogenic or benign to our knowledge

PreventionGenetics, part of Exact Sciences
Classification: Likely benign. Review status: criteria provided, single submitter. Criteria: ACMG Guidelines, 2015. Collection method: clinical testing. Allele origin: germline.